The following is an entry in ClinVar:

NM_015910.7(WDPCP):c.68C>G (p.Pro23Arg)

Gene: WDPCP (WD repeat containing planar cell polarity effector; minus strand). Cytogenetic location: 2p15.
Variant type: single nucleotide variant.
Coding change: c.68C>G on transcript NM_015910.7 (MANE Select); coding-DNA position 68, C replaced by G.
Protein change: p.Pro23Arg; replaces proline 23 with arginine.
Molecular consequence: missense variant. On other transcripts: 5 prime UTR variant (1), non-coding transcript variant (2).
Genome position (GRCh38, 1-based): chr2:63,588,204, G>C on the plus strand (C>G on the coding strand, the complement: WDPCP is on the minus strand). VCF-style: chr2-63588204-G-C. GRCh37 (hg19) VCF-style: chr2-63815338-G-C.
Other names: c.-257C>G (NM_001354044.2); c.68C>G, p.Pro23Arg (NM_001354045.2); short protein forms P23R.
Identifiers: ClinVar variation 2177879 (VCV002177879.3), dbSNP rs141340867, ClinGen allele CA347066529.
Genomic context (GRCh38, chr2:63,588,204, plus strand): 5'-ATTCCGGATCCTAAGGTTAAAAGAAAACCCCTTGCCCTCGGGCCAGGGCTCACCTGTCTC[G>C]GGAGTGGGGAAGAAGCGCGACTCCCGGCCGCTTTGGAGTAGGCGTCCCAGCAAAACTCTC-3'
Protein context (NP_056994.3, residues 13-33): AAGSRASSPL[Pro23Arg]RQDRDSFCHQ

ClinVar aggregate classification (germline): Uncertain significance (1 of 4 stars; one submission).

Conditions:
Bardet-Biedl syndrome (BBS). Identifiers: Orphanet 110, MedGen C0752166, MONDO:0015229.

gnomAD v4.1: 16 of 1,568,786 alleles (0.001%); highest among the groups gnomAD compares: Non-Finnish European, 0.0014%; no homozygotes.

Submission:

Labcorp Genetics (formerly Invitae), Labcorp
Classification: Uncertain significance for Bardet-Biedl syndrome. Last evaluated: 2022-08-09. Review status: criteria provided, single submitter. Criteria: Invitae Variant Classification Sherloc (09022015). Collection method: clinical testing. Allele origin: germline.
Comment: In summary, the available evidence is currently insufficient to determine the role of this variant in disease. Therefore, it has been classified as a Variant of Uncertain Significance. Algorithms developed to predict the effect of missense changes on protein structure and function output the following: SIFT: "Tolerated"; PolyPhen-2: "Benign"; Align-GVGD: "Class C0". The arginine amino acid residue is found in multiple mammalian species, which suggests that this missense change does not adversely affect protein function. This sequence change replaces proline, which is neutral and non-polar, with arginine, which is basic and polar, at codon 23 of the WDPCP protein (p.Pro23Arg). This variant is not present in population databases (gnomAD no frequency). This variant has not been reported in the literature in individuals affected with WDPCP-related conditions.